The following is an entry in ClinVar:

NM_000548.5(TSC2):c.1923C>T (p.Ser641=)

Gene: TSC2 (TSC complex subunit 2; plus strand). Cytogenetic location: 16p13.3.
Variant type: single nucleotide variant.
Coding change: c.1923C>T on transcript NM_000548.5 (MANE Select); coding-DNA position 1923, C replaced by T.
Protein change: p.Ser641=; no amino-acid change (serine 641 retained).
Molecular consequence: synonymous variant.
Genome position (GRCh38, 1-based): chr16:2,071,593, C>T. VCF-style: chr16-2071593-C-T. GRCh37 (hg19) VCF-style: chr16-2121594-C-T.
Other names: c.1923C>T, p.Ser641= (NM_001077183.3, NM_001114382.3, NM_001363528.2 and 3 more transcripts); c.1812C>T, p.Ser604= (NM_001318827.2); c.1776C>T, p.Ser592= (NM_001318829.2); c.1323C>T, p.Ser441= (NM_001318831.2); c.1956C>T, p.Ser652= (NM_001318832.2).
Identifiers: ClinVar variation 467904 (VCV000467904.30), dbSNP rs1555505825, ClinGen allele CA492950356.

ClinVar aggregate classification (germline): Benign/Likely benign. Review status: criteria provided, multiple submitters, no conflicts (2 of 4 stars). 6 submissions from 6 submitters: Benign (2); Likely benign (4). Last evaluated 2025-05-16.

Conditions:
Hereditary cancer-predisposing syndrome. Also called: Hereditary neoplastic syndrome; Neoplastic Syndromes, Hereditary; Tumor predisposition; Hereditary Cancer Syndrome. Identifiers: Orphanet 140162, MedGen C0027672, MeSH D009386, MONDO:0015356.
Tuberous sclerosis syndrome (TSC). Also called: Tuberous Sclerosis Complex; Tuberous sclerosis. Identifiers: Orphanet 805, MedGen C0041341, MONDO:0001734.
Tuberous sclerosis 2 (TSC2). Identifiers: Orphanet 805, MedGen C1860707, MONDO:0013199, OMIM 613254.

Allele frequency attached by ClinVar (database versions not stated): gnomAD exomes 0.00001.
gnomAD v4.1: 7 of 1,613,446 alleles (0.00043%); highest among the groups gnomAD compares: Non-Finnish European, 0.00059%; no homozygotes.

Submissions (6):

Myriad Genetics, Inc.
Classification: Benign for Tuberous sclerosis 2. Last evaluated: 2025-05-16. Review status: criteria provided, single submitter. Criteria: Myriad Autosomal Dominant, Autosomal Recessive and X-Linked Classification Criteria (2023). Collection method: clinical testing. Allele origin: unknown.
Comment: This variant is considered benign. This variant is a silent/synonymous amino acid change and it is not expected to impact splicing.

Labcorp Genetics (formerly Invitae), Labcorp
Classification: Likely benign for Tuberous sclerosis 2. Last evaluated: 2025-01-28. Review status: criteria provided, single submitter. Criteria: Invitae Variant Classification Sherloc (09022015). Collection method: clinical testing. Allele origin: germline.

Women's Health and Genetics/Laboratory Corporation of America, LabCorp
Classification: Likely benign. Last evaluated: 2024-04-16. Review status: criteria provided, single submitter. Criteria: LabCorp Variant Classification Summary - May 2015. Collection method: clinical testing. Allele origin: germline.

All of Us Research Program, National Institutes of Health
Classification: Likely benign for Tuberous sclerosis syndrome. Last evaluated: 2023-12-13. Review status: criteria provided, single submitter. Criteria: ACMG Guidelines, 2015. Collection method: clinical testing. Allele origin: germline. Inheritance: Autosomal dominant inheritance. Observed: 1 variant allele, 1 heterozygote.
Comment: This study involves interpretation of variants in research participants for the purpose of population health screening. Participant phenotype was not available at the time of variant classification. Additional details can be found in publication PMID: 35346344, PMCID: PMC8962531

Genome-Nilou Lab
Classification: Benign for Tuberous sclerosis 2. Last evaluated: 2021-11-07. Review status: criteria provided, single submitter. Criteria: ACMG Guidelines, 2015. Collection method: clinical testing. Allele origin: germline. Affected: no.

Ambry Genetics
Classification: Likely benign for Hereditary cancer-predisposing syndrome. Last evaluated: 2020-03-03. Review status: criteria provided, single submitter. Criteria: Ambry Variant Classification Scheme 2023. Collection method: clinical testing. Allele origin: germline.